The following is an entry in ClinVar:

ClinVar aggregate classification (germline): Uncertain significance. Review status: criteria provided, multiple submitters, no conflicts (2 of 4 stars). 2 submissions from 2 submitters: Uncertain significance (2). Last evaluated 2025-08-01.

Allele frequency attached by ClinVar (database versions not stated): gnomAD 0.00001; TOPMed 0.00001; ExAC 0.00002; 1000 Genomes Project 30x 0.00016; 1000 Genomes Project 0.00020.
gnomAD v4.1: 30 of 1,614,124 alleles (0.0019%); highest among the groups gnomAD compares: East Asian, 0.013%; no homozygotes.

Submissions (2):

Ambry Genetics
Classification: Uncertain significance. Last evaluated: 2025-08-01. Review status: criteria provided, single submitter. Criteria: Ambry Variant Classification Scheme 2023. Collection method: clinical testing. Allele origin: germline.

Labcorp Genetics (formerly Invitae), Labcorp
Classification: Uncertain significance. Last evaluated: 2024-12-02. Review status: criteria provided, single submitter. Criteria: Invitae Variant Classification Sherloc (09022015). Collection method: clinical testing. Allele origin: germline.
Comment: This sequence change replaces valine, which is neutral and non-polar, with isoleucine, which is neutral and non-polar, at codon 1044 of the RUSC2 protein (p.Val1044Ile). This variant is present in population databases (rs147279845, gnomAD 0.01%). This variant has not been reported in the literature in individuals affected with RUSC2-related conditions. ClinVar contains an entry for this variant (Variation ID: 1930927). An algorithm developed to predict the effect of missense changes on protein structure and function (PolyPhen-2) suggests that this variant is likely to be disruptive. In summary, the available evidence is currently insufficient to determine the role of this variant in disease. Therefore, it has been classified as a Variant of Uncertain Significance.

NM_014806.5(RUSC2):c.3130G>A (p.Val1044Ile)

Gene: RUSC2 (RUN and SH3 domain containing 2; plus strand). Cytogenetic location: 9p13.3.
Variant type: single nucleotide variant.
Coding change: c.3130G>A on transcript NM_014806.5 (MANE Select); coding-DNA position 3130, G replaced by A.
Protein change: p.Val1044Ile; replaces valine 1044 with isoleucine.
Molecular consequence: missense variant. On other transcripts: non-coding transcript variant (1).
Genome position (GRCh38, 1-based): chr9:35,558,266, G>A. VCF-style: chr9-35558266-G-A. GRCh37 (hg19) VCF-style: chr9-35558263-G-A.
Other names: c.3130G>A, p.Val1044Ile (NM_001135999.2); c.496G>A, p.Val166Ile (NM_001330740.2); c.3130G>A (NM_001135999.1); short protein forms V166I, V1044I.
Identifiers: ClinVar variation 1930927 (VCV001930927.6), dbSNP rs147279845, ClinGen allele CA5044061.